The following is an entry in ClinVar:

NM_000038.6(APC):c.4099C>T (p.Gln1367Ter)

Gene: APC (APC regulator of Wnt signaling pathway; plus strand). Cytogenetic location: 5q22.2.
Variant type: single nucleotide variant.
Coding change: c.4099C>T on transcript NM_000038.6 (MANE Select); coding-DNA position 4099, C replaced by T.
Protein change: p.Gln1367Ter; replaces glutamine 1367 with a stop codon.
Molecular consequence: nonsense.
Genome position (GRCh38, 1-based): chr5:112,839,693, C>T. VCF-style: chr5-112839693-C-T. GRCh37 (hg19) VCF-style: chr5-112175390-C-T.
Other names: c.4099C>T, p.Gln1367Ter (NM_001127510.3, NM_001354895.2); c.4045C>T, p.Gln1349Ter (NM_001127511.3); c.4153C>T, p.Gln1385Ter (NM_001354896.2); c.4129C>T, p.Gln1377Ter (NM_001354897.2); c.4024C>T, p.Gln1342Ter (NM_001354898.2); c.4015C>T, p.Gln1339Ter (NM_001354899.2); c.3976C>T, p.Gln1326Ter (NM_001354900.2); c.3922C>T, p.Gln1308Ter (NM_001354901.2); and 5 more; short protein forms Q1349*, Q1367*, Q1266*, Q1276*, Q1308*, Q1326*, Q1342*, Q1377*.
Identifiers: ClinVar variation 376060 (VCV000376060.38), dbSNP rs121913328, ClinGen allele CA16030309.

ClinVar aggregate classification (germline): Pathogenic. Review status: criteria provided, multiple submitters, no conflicts (2 of 4 stars). 2 submissions from 2 submitters: Pathogenic (2). Last evaluated 2023-05-10.
ClinVar aggregate classification (somatic clinical impact): Tier II - Potential (0 of 4 stars; one submission).
ClinVar aggregate classification (oncogenicity): Likely oncogenic (1 of 4 stars; one submission).

Conditions:
Familial adenomatous polyposis 1 (FAP1). Also called: FAMILIAL ADENOMATOUS POLYPOSIS 1, ATTENUATED; POLYPOSIS, ADENOMATOUS INTESTINAL. Identifiers: MedGen C2713442, MONDO:0021056, OMIM 175100. Disease mechanism: loss of function.
Colorectal cancer. Also called: Malignant Colorectal Neoplasm; Colorectal cancer, somatic. Identifiers: MedGen C0346629, MONDO:0005575, OMIM 114500.
Neoplasm. Also called: tumor; Neoplasms; Neoplasm (disease). Identifiers: MedGen C0027651, MeSH D009369, MONDO:0005070, HP:0002664.

Submissions (4):

Center for Genomic Medicine, Rigshospitalet, Copenhagen University Hospital
Classification: Likely oncogenic for Neoplasm. Last evaluated: 2025-12-29. Review status: criteria provided, single submitter. Criteria: ClinGen/CGC/VICC Guidelines for Oncogenicity, 2022. Collection method: clinical testing. Allele origin: somatic. Affected: yes.

Myriad Genetics, Inc.
Classification: Pathogenic for Familial adenomatous polyposis 1. Last evaluated: 2023-05-10. Review status: criteria provided, single submitter. Criteria: Myriad Autosomal Dominant, Autosomal Recessive and X-Linked Classification Criteria (2023). Collection method: clinical testing. Allele origin: unknown.
Comment: This variant is considered pathogenic. This variant creates a termination codon and is predicted to result in premature protein truncation.

CeGaT Center for Human Genetics Tuebingen
Classification: Pathogenic. Last evaluated: 2021-11-01. Review status: criteria provided, single submitter. Criteria: CeGaT Center For Human Genetics Tuebingen Variant Classification Criteria Version 2. Collection method: clinical testing. Allele origin: germline. Affected: yes. Observed: 1 variant allele.

Department of Clinical Biochemistry, Naestved Hospital
Classification: Tier II - Potential for Colorectal cancer. Assertion type: prognostic. Clinical significance: better outcome. Last evaluated: 2024-10-10. Review status: no assertion criteria provided. Collection method: research. Allele origin: somatic.
Comment: Truncating. Nonsense, likely loss of function

Literature cited by the submitters: PubMed 18199528 (cited by Center for Genomic Medicine, Rigshospitalet, Copenhagen University Hospital).